The following is an entry in ClinVar:

ClinVar aggregate classification (germline): Uncertain significance (1 of 4 stars; one submission).

Submission:

GeneDx
Classification: Uncertain significance. Last evaluated: 2022-10-14. Review status: criteria provided, single submitter. Criteria: GeneDx Variant Classification Process June 2021. Collection method: clinical testing. Allele origin: germline. Affected: yes.
Comment: Not observed at significant frequency in large population cohorts (gnomAD); In silico analysis supports that this missense variant does not alter protein structure/function; Has not been previously published as pathogenic or benign to our knowledge

NM_023110.3(FGFR1):c.2455C>T (p.Leu819Phe)

Gene: FGFR1 (fibroblast growth factor receptor 1; minus strand). Cytogenetic location: 8p11.23.
Variant type: single nucleotide variant.
Coding change: c.2455C>T on transcript NM_023110.3 (MANE Select); coding-DNA position 2455, C replaced by T.
Protein change: p.Leu819Phe; replaces leucine 819 with phenylalanine.
Molecular consequence: missense variant. On other transcripts: intron variant (3).
Genome position (GRCh38, 1-based): chr8:38,413,642, G>A on the plus strand (C>T on the coding strand, the complement: FGFR1 is on the minus strand). VCF-style: chr8-38413642-G-A. GRCh37 (hg19) VCF-style: chr8-38271160-G-A.
Other names: c.2455C>T, p.Leu819Phe (NM_000604.2); c.2449C>T, p.Leu817Phe (NM_001174063.2, NM_001174065.2, NM_015850.4); c.2425C>T, p.Leu809Phe (NM_001174064.2); c.2188C>T, p.Leu730Phe (NM_001174066.2, NM_023105.3); c.2548C>T, p.Leu850Phe (NM_001174067.2); c.2176C>T, p.Leu726Phe (NM_001354368.2); c.2443C>T, p.Leu815Phe (NM_001410922.1); c.2182C>T, p.Leu728Phe (NM_023106.3); and 3 more; short protein forms L726F, L728F, L730F, L809F, L815F, L817F, L819F, L850F.
Identifiers: ClinVar variation 2499423 (VCV002499423.1), dbSNP rs2150504048, ClinGen allele CA370726713.